The following is an entry in ClinVar:

NM_001127222.2(CACNA1A):c.1776C>G (p.Val592=)

Gene: CACNA1A (calcium voltage-gated channel subunit alpha1 A; minus strand). Cytogenetic location: 19p13.13.
Variant type: single nucleotide variant.
Coding change: c.1776C>G on transcript NM_001127222.2 (MANE Select); coding-DNA position 1776, C replaced by G.
Protein change: p.Val592=; no amino-acid change (valine 592 retained).
Molecular consequence: synonymous variant.
Genome position (GRCh38, 1-based): chr19:13,308,421, G>C on the plus strand (C>G on the coding strand, the complement: CACNA1A is on the minus strand). VCF-style: chr19-13308421-G-C. GRCh37 (hg19) VCF-style: chr19-13419235-G-C.
Other names: p.Val593=; c.1779C>G, p.Val593= (NM_000068.4, NM_001127221.2, NM_001174080.2 and 1 more transcripts); c.1779C>G (NM_000068.2).
Identifiers: ClinVar variation 128545 (VCV000128545.31), dbSNP rs16012, ClinGen allele CA152076.

ClinVar aggregate classification (germline): Benign. Review status: criteria provided, multiple submitters, no conflicts (2 of 4 stars). 13 submissions from 13 submitters: Benign (8). 5 of the submissions do not count toward it. Last evaluated 2026-02-03.

Conditions:
Episodic ataxia type 2 (EA2). Also called: ACETAZOLAMIDE-RESPONSIVE HEREDITARY PAROXYSMAL CEREBELLAR ATAXIA; ATAXIA, EPISODIC, WITH NYSTAGMUS; ATAXIA, FAMILIAL PAROXYSMAL; CEREBELLAR ATAXIA, PAROXYSMAL, ACETAZOLAMIDE-RESPONSIVE; CEREBELLOPATHY, HEREDITARY PAROXYSMAL; EPISODIC ATAXIA, NYSTAGMUS-ASSOCIATED. Identifiers: Orphanet 97, MedGen C1720416, MONDO:0007163, OMIM 108500.
Developmental and epileptic encephalopathy, 42 (DEE42A). Also called: DEVELOPMENTAL AND EPILEPTIC ENCEPHALOPATHY 42A; EPILEPTIC ENCEPHALOPATHY, EARLY INFANTILE, 42A; Epileptic encephalopathy, early infantile, 42. Identifiers: MedGen C4310716, MONDO:0014917, OMIM 617106.
Inborn genetic diseases. Identifiers: MedGen C0950123, MeSH D030342.

Allele frequency attached by ClinVar (database versions not stated): 1000 Genomes Project 30x 0.00562; 1000 Genomes Project 0.00579; gnomAD exomes 0.01115 and 0.01878; TOPMed 0.01141; gnomAD 0.01192 and 0.01217; ExAC 0.01296; ESP Exome Variant Server 0.01375.
gnomAD v4.1: 28,911 of 1,609,264 alleles (1.8%); highest among the groups gnomAD compares: Non-Finnish European, 2.2%; 358 homozygotes.

Submissions (14):

Labcorp Genetics (formerly Invitae), Labcorp
Classification: Benign for Developmental and epileptic encephalopathy, 42; Episodic ataxia type 2. Last evaluated: 2026-02-03. Review status: criteria provided, single submitter. Criteria: Invitae Variant Classification Sherloc (09022015). Collection method: clinical testing. Allele origin: germline.

Athena Diagnostics
Classification: Benign. Last evaluated: 2025-09-05. Review status: criteria provided, single submitter. Criteria: Athena Diagnostics Criteria. Collection method: clinical testing. Allele origin: unknown.
Comment: The frequency of this variant in the general population is higher than would generally be expected for pathogenic variants in this gene. Computational tools yielded predictions that this variant is unlikely to have an effect on normal RNA splicing. This nucleotide position exhibits low evolutionary conservation. This variant has been seen where an alternate explanation for disease was also identified.

Blueprint Genetics
Classification: Benign. Last evaluated: 2024-11-28. Review status: criteria provided, single submitter. Criteria: ACMG Guidelines, 2015. Collection method: clinical testing. Allele origin: germline.

Mayo Clinic Laboratories, Mayo Clinic
Classification: Benign. Last evaluated: 2023-02-24. Review status: criteria provided, single submitter. Criteria: ACMG Guidelines, 2015. Collection method: clinical testing. Allele origin: germline. Observed: 18 variant alleles.
Comment: BS1, BS2

Ambry Genetics
Classification: Benign for Inborn genetic diseases. Last evaluated: 2016-06-18. Review status: criteria provided, single submitter. Criteria: Ambry Variant Classification Scheme 2023. Collection method: clinical testing. Allele origin: germline.

GeneDx
Classification: Benign. Last evaluated: 2016-01-11. Review status: criteria provided, single submitter. Criteria: GeneDx Variant Classification (06012015). Collection method: clinical testing. Allele origin: germline. Affected: yes.
Comment: This variant is considered likely benign or benign based on one or more of the following criteria: it is a conservative change, it occurs at a poorly conserved position in the protein, it is predicted to be benign by multiple in silico algorithms, and/or has population frequency not consistent with disease.

Breakthrough Genomics
Classification: Benign. Review status: criteria provided, single submitter. Criteria: ACMG Guidelines, 2015. Collection method: not provided. Allele origin: germline. Inheritance: Autosomal dominant inheritance. Affected: yes.

PreventionGenetics, part of Exact Sciences
Classification: Benign. Review status: criteria provided, single submitter. Criteria: ACMG Guidelines, 2015. Collection method: clinical testing. Allele origin: germline.

Clinical Genetics DNA and cytogenetics Diagnostics Lab, Erasmus MC, Erasmus Medical Center
Classification: Benign. Review status: no assertion criteria provided. Collection method: clinical testing. Allele origin: germline. Affected: yes. Study: VKGL Data-share Consensus. Not counted in ClinVar's aggregate classification.

Dr. Peter K. Rogan Lab, Western University
No classification provided (evidence only). Condition: Lung cancer. Review status: no classification provided. Collection method: in vitro. Allele origin: not applicable. Functional consequence: retained intron. Not counted in ClinVar's aggregate classification.

Genetic Services Laboratory, University of Chicago
Classification: Likely benign for AllHighlyPenetrant. Review status: no assertion criteria provided. Collection method: clinical testing. Allele origin: germline. Inheritance: Autosomal dominant inheritance. Not counted in ClinVar's aggregate classification.
Comment: Likely benign based on allele frequency in 1000 Genomes Project or ESP global frequency and its presence in a patient with a rare or unrelated disease phenotype. NOT Sanger confirmed.

Genome Diagnostics Laboratory, University Medical Center Utrecht
Classification: Benign. Review status: no assertion criteria provided. Collection method: clinical testing. Allele origin: germline. Affected: yes. Study: VKGL Data-share Consensus. Not counted in ClinVar's aggregate classification.

Joint Genome Diagnostic Labs from Nijmegen and Maastricht, Radboudumc and MUMC+
Classification: Benign. Review status: no assertion criteria provided. Collection method: clinical testing. Allele origin: germline. Affected: yes. Study: VKGL Data-share Consensus. Not counted in ClinVar's aggregate classification.

Laboratory of Diagnostic Genome Analysis, Leiden University Medical Center (LUMC)
Classification: Likely benign. Review status: no assertion criteria provided. Collection method: clinical testing. Allele origin: germline. Affected: yes. Study: VKGL Data-share Consensus. Not counted in ClinVar's aggregate classification.

Literature cited by the submitters: PubMed 27066515 (cited by Athena Diagnostics); PubMed 26747084 (cited by Athena Diagnostics).